The following is an entry in ClinVar:

ClinVar aggregate classification (germline): Conflicting classifications of pathogenicity. Review status: criteria provided, conflicting classifications (1 of 4 stars). 4 submissions from 4 submitters: Uncertain significance (1); Likely benign (2). 1 of the submissions does not count toward it. Last evaluated 2026-01-18.

Conditions:
DNAH5-related disorder. Also called: DNAH5-related condition.
Primary ciliary dyskinesia 3. Identifiers: Orphanet 244, MedGen C1837618, MONDO:0012085, OMIM 608644.
Primary ciliary dyskinesia. Also called: Ciliary dyskinesia. Identifiers: Orphanet 244, MedGen C0008780, MONDO:0016575, HP:0012265.

Allele frequency attached by ClinVar (database versions not stated): 1000 Genomes Project 30x 0.00031; ESP Exome Variant Server 0.00038; 1000 Genomes Project 0.00040; gnomAD 0.00052 and 0.00056; TOPMed 0.00052.
gnomAD v4.1: 146 of 1,614,102 alleles (0.009%); highest among the groups gnomAD compares: African/African-American, 0.16%; no homozygotes.

Submissions (4):

Labcorp Genetics (formerly Invitae), Labcorp
Classification: Likely benign for Primary ciliary dyskinesia. Last evaluated: 2026-01-18. Review status: criteria provided, single submitter. Criteria: Invitae Variant Classification Sherloc (09022015). Collection method: clinical testing. Allele origin: germline.

Ambry Genetics
Classification: Likely benign for Primary ciliary dyskinesia. Last evaluated: 2020-01-07. Review status: criteria provided, single submitter. Criteria: Ambry Variant Classification Scheme 2023. Collection method: clinical testing. Allele origin: germline.

Illumina Laboratory Services, Illumina
Classification: Uncertain significance for Primary ciliary dyskinesia 3. Last evaluated: 2018-01-13. Review status: criteria provided, single submitter. Criteria: ICSL Variant Classification Criteria 13 December 2019. Collection method: clinical testing. Allele origin: germline.

PreventionGenetics, part of Exact Sciences
Classification: Likely benign for DNAH5-related condition. Last evaluated: 2023-12-04. Review status: no assertion criteria provided. Collection method: clinical testing. Allele origin: germline. Not counted in ClinVar's aggregate classification.
Comment: This variant is classified as likely benign based on ACMG/AMP sequence variant interpretation guidelines (Richards et al. 2015 PMID: 25741868, with internal and published modifications).

NM_001369.3(DNAH5):c.5643G>A (p.Thr1881=)

Gene: DNAH5 (dynein axonemal heavy chain 5; minus strand). Cytogenetic location: 5p15.2.
Variant type: single nucleotide variant.
Coding change: c.5643G>A on transcript NM_001369.3 (MANE Select); coding-DNA position 5643, G replaced by A.
Protein change: p.Thr1881=; no amino-acid change (threonine 1881 retained).
Molecular consequence: synonymous variant.
Genome position (GRCh38, 1-based): chr5:13,840,972, C>T on the plus strand (G>A on the coding strand, the complement: DNAH5 is on the minus strand). VCF-style: chr5-13840972-C-T. GRCh37 (hg19) VCF-style: chr5-13841081-C-T.
Identifiers: ClinVar variation 351088 (VCV000351088.20), dbSNP rs150429110, ClinGen allele CA3203621.